The following is an entry in ClinVar:

ClinVar aggregate classification (germline): Uncertain significance (1 of 4 stars; one submission).

Conditions:
Developmental and epileptic encephalopathy, 31A. Also called: Epileptic encephalopathy, early infantile, 31; Developmental and epileptic encephalopathy, 31. Identifiers: Orphanet 2382, MedGen C4225357, MONDO:0014598, OMIM 616346.

Submission:

3billion
Classification: Uncertain significance for Developmental and epileptic encephalopathy, 31A. Last evaluated: 2024-07-22. Review status: criteria provided, single submitter. Criteria: ACMG Guidelines, 2015. Collection method: clinical testing. Allele origin: germline. Affected: yes.
Comment: The variant is not observed in the gnomAD v4.0.0 dataset. Predicted Consequence/Location: Missense variant In silico tool predictions suggest damaging effect of the variant on gene or gene product [3Cnet: 0.97 (>=0.6, sensitivity 0.72 and precision 0.9)]. Therefore, this variant is classified as VUS according to the recommendation of ACMG/AMP guideline.

NM_004408.4(DNM1):c.735G>C (p.Lys245Asn)

Gene: DNM1 (dynamin 1; plus strand). Cytogenetic location: 9q34.11.
Variant type: single nucleotide variant.
Coding change: c.735G>C on transcript NM_004408.4 (MANE Select); coding-DNA position 735, G replaced by C.
Protein change: p.Lys245Asn; replaces lysine 245 with asparagine.
Molecular consequence: missense variant.
Genome position (GRCh38, 1-based): chr9:128,220,227, G>C. VCF-style: chr9-128220227-G-C. GRCh37 (hg19) VCF-style: chr9-130982506-G-C.
Other names: c.735G>C, p.Lys245Asn (NM_001005336.3, NM_001288737.2, NM_001288738.2 and 2 more transcripts); short protein forms K245N.
Identifiers: ClinVar variation 4293286 (VCV004293286.1).
Genomic context (GRCh38, chr9:128,220,227, plus strand): 5'-GATACTGTTCACAGGCTACATTGGAGTGGTGAACCGGAGCCAGAAGGACATTGATGGCAA[G>C]AAGGACATTACCGCCGCCTTGGCTGCTGAACGAAAGTTCTTCCTCTCCCATCCATCTTAT-3'
Protein context (NP_004399.2, residues 235-255): VNRSQKDIDG[Lys245Asn]KDITAALAAE